The following is an entry in ClinVar:

ClinVar aggregate classification (germline): Pathogenic (1 of 4 stars; one submission).

Conditions:
Autosomal recessive limb-girdle muscular dystrophy type 2P. Also called: Limb-Girdle Muscular Dystrophy Type 9C; MUSCULAR DYSTROPHY, LIMB-GIRDLE, TYPE 2P; MUSCULAR DYSTROPHY-DYSTROGLYCANOPATHY, LIMB-GIRDLE, DAG1-RELATED. Identifiers: Orphanet 280333, MedGen C4511963, MONDO:0013440, OMIM 613818.
Muscular dystrophy-dystroglycanopathy (congenital with brain and eye anomalies), type A9. Also called: Muscular dystrophy-dystroglycanopathy (congenital with brain and eye anomalies), type a, 9; WALKER-WARBURG SYNDROME OR MUSCLE-EYE BRAIN DISEASE, DAG1-RELATED. Identifiers: Orphanet 370997, Orphanet 899, MedGen C4225291, MONDO:0014683, OMIM 616538.

Submission:

Labcorp Genetics (formerly Invitae), Labcorp
Classification: Pathogenic for Autosomal recessive limb-girdle muscular dystrophy type 2P; Muscular dystrophy-dystroglycanopathy (congenital with brain and eye anomalies), type A9. Last evaluated: 2025-08-24. Review status: criteria provided, single submitter. Criteria: Invitae Variant Classification Sherloc (09022015). Collection method: clinical testing. Allele origin: germline.
Comment: This sequence change creates a premature translational stop signal (p.Glu352Aspfs*88) in the DAG1 gene. While this is not anticipated to result in nonsense mediated decay, it is expected to disrupt the last 544 amino acid(s) of the DAG1 protein. This variant is not present in population databases (gnomAD no frequency). This variant has not been reported in the literature in individuals affected with DAG1-related conditions. This variant disrupts a region of the DAG1 protein in which other variant(s) (p.Arg776) have been determined to be pathogenic (PMID: 30450679). This suggests that this is a clinically significant region of the protein, and that variants that disrupt it are likely to be disease-causing. For these reasons, this variant has been classified as Pathogenic.

Literature cited by the submitters: PubMed 30450679.

NM_004393.6(DAG1):c.1056_1057del (p.Glu352fs)

Gene: DAG1 (dystroglycan 1; plus strand). Cytogenetic location: 3p21.31.
Variant type: Microsatellite.
Coding change: c.1056_1057del on transcript NM_004393.6 (MANE Select); coding-DNA positions 1056 to 1057, 2 bases deleted (GA; older notation c.1056_1057delGA).
Protein change: p.Glu352fs; shifts the reading frame from glutamic acid 352.
Molecular consequence: frameshift variant.
Genome position (GRCh38, 1-based): chr3:49,531,567-49,531,568, GA deleted; deleting any 2 consecutive bases within chr3:49,531,564-49,531,568 gives the same sequence; the c. name uses the placement nearest the transcript's 3' end. VCF-style (leftmost placement, unchanged base first): chr3-49531563-CAG-C. GRCh37 (hg19) VCF-style: chr3-49568996-CAG-C.
Other names: c.1056_1057del, p.Glu352fs (NM_001165928.4, NM_001177634.3, NM_001177635.3 and 18 more transcripts); short protein forms E352fs.
Identifiers: ClinVar variation 4785636 (VCV004785636.1).